The following is an entry in ClinVar:

NM_000260.4(MYO7A):c.5637-175A>G

Gene: MYO7A (myosin VIIA; plus strand). Cytogenetic location: 11q13.5.
Variant type: single nucleotide variant.
Coding change: c.5637-175A>G on transcript NM_000260.4 (MANE Select); 175 bases into the intron before coding-DNA position 5637, A replaced by G.
Molecular consequence: intron variant.
Genome position (GRCh38, 1-based): chr11:77,205,922, A>G. VCF-style: chr11-77205922-A-G. GRCh37 (hg19) VCF-style: chr11-76916967-A-G.
Other names: c.5490-175A>G (NM_001369365.1); c.5523-175A>G (NM_001127180.2).
Identifiers: ClinVar variation 670382 (VCV000670382.4), dbSNP rs4945160, ClinGen allele CA13422793.

ClinVar aggregate classification (germline): Benign. Review status: criteria provided, multiple submitters, no conflicts (2 of 4 stars). 4 submissions from 2 submitters: Benign (4). Last evaluated 2021-07-01.

Conditions:
Usher syndrome type 1 (USH1). Also called: RETINITIS PIGMENTOSA AND CONGENITAL DEAFNESS. Identifiers: Orphanet 231169, Orphanet 886, MedGen C1568247, MONDO:0010168, OMIM 276900.
Autosomal dominant nonsyndromic hearing loss 11. Identifiers: Orphanet 90635, MedGen C1832475, MONDO:0011032, OMIM 601317.
Autosomal recessive nonsyndromic hearing loss 2. Also called: DEAFNESS, AUTOSOMAL RECESSIVE 2; NEUROSENSORY NONSYNDROMIC RECESSIVE DEAFNESS 2. Identifiers: Orphanet 90636, MedGen C1838701, MONDO:0010807, OMIM 600060.

Allele frequency attached by ClinVar (database versions not stated): 1000 Genomes Project 0.55431; 1000 Genomes Project 30x 0.55700; gnomAD 0.58129 and 0.59068; TOPMed 0.58850.
gnomAD v4.1: 88,244 of 151,888 alleles (58%); highest among the groups gnomAD compares: African/African-American, 66%; 25,977 homozygotes.

Submissions (4):

Genome-Nilou Lab
Classification: Benign for Autosomal dominant nonsyndromic hearing loss 11. Last evaluated: 2021-07-01. Review status: criteria provided, single submitter. Criteria: ACMG Guidelines, 2015. Collection method: clinical testing. Allele origin: germline. Affected: no.

Genome-Nilou Lab
Classification: Benign for Autosomal recessive nonsyndromic hearing loss 2. Last evaluated: 2021-07-01. Review status: criteria provided, single submitter. Criteria: ACMG Guidelines, 2015. Collection method: clinical testing. Allele origin: germline. Affected: no.

Genome-Nilou Lab
Classification: Benign for Usher syndrome type 1. Last evaluated: 2021-07-01. Review status: criteria provided, single submitter. Criteria: ACMG Guidelines, 2015. Collection method: clinical testing. Allele origin: germline. Affected: no.

GeneDx
Classification: Benign. Last evaluated: 2018-06-14. Review status: criteria provided, single submitter. Criteria: GeneDx Variant Classification (06012015). Collection method: clinical testing. Allele origin: germline. Affected: yes.
Comment: This variant is considered likely benign or benign based on one or more of the following criteria: it is a conservative change, it occurs at a poorly conserved position in the protein, it is predicted to be benign by multiple in silico algorithms, and/or has population frequency not consistent with disease.